The following is an entry in ClinVar:

NM_004563.4(PCK2):c.1546C>A (p.Leu516Met)

Genes: NRL (neural retina leucine zipper; minus strand), PCK2 (phosphoenolpyruvate carboxykinase 2, mitochondrial; plus strand). Cytogenetic location: 14q12.
Variant type: single nucleotide variant.
Coding change: c.1546C>A on transcript NM_004563.4 (MANE Select); coding-DNA position 1546, C replaced by A.
Protein change: p.Leu516Met; replaces leucine 516 with methionine.
Molecular consequence: missense variant. On other transcripts: intron variant (3).
Genome position (GRCh38, 1-based): chr14:24,103,587, C>A. VCF-style: chr14-24103587-C-A. GRCh37 (hg19) VCF-style: chr14-24572796-C-A.
Other names: c.1144C>A, p.Leu382Met (NM_001291556.2, NM_001308054.2); c.-28+11135G>T (NM_001354768.3, NM_001354770.2); c.-254+11135G>T (NM_006177.5); short protein forms L382M, L516M.
Identifiers: ClinVar variation 2466892 (VCV002466892.5), dbSNP rs138896968, ClinGen allele CA7123560.

ClinVar aggregate classification (germline): Uncertain significance. Review status: criteria provided, multiple submitters, no conflicts (2 of 4 stars). 2 submissions from 2 submitters: Uncertain significance (2). Last evaluated 2023-11-19.

Allele frequency attached by ClinVar (database versions not stated): gnomAD 0.00004; TOPMed 0.00007; ESP Exome Variant Server 0.00023; gnomAD exomes 0.00001; ExAC 0.00003.

Submissions (2):

Labcorp Genetics (formerly Invitae), Labcorp
Classification: Uncertain significance. Last evaluated: 2023-11-19. Review status: criteria provided, single submitter. Criteria: Invitae Variant Classification Sherloc (09022015). Collection method: clinical testing. Allele origin: germline.
Comment: This sequence change replaces leucine, which is neutral and non-polar, with methionine, which is neutral and non-polar, at codon 516 of the PCK2 protein (p.Leu516Met). The frequency data for this variant in the population databases is considered unreliable, as metrics indicate poor data quality at this position in the gnomAD database. This variant has not been reported in the literature in individuals affected with PCK2-related conditions. ClinVar contains an entry for this variant (Variation ID: 2466892). Advanced modeling of protein sequence and biophysical properties (such as structural, functional, and spatial information, amino acid conservation, physicochemical variation, residue mobility, and thermodynamic stability) performed at Invitae indicates that this missense variant is not expected to disrupt PCK2 protein function with a negative predictive value of 80%. In summary, the available evidence is currently insufficient to determine the role of this variant in disease. Therefore, it has been classified as a Variant of Uncertain Significance.

Ambry Genetics
Classification: Uncertain significance. Last evaluated: 2023-02-22. Review status: criteria provided, single submitter. Criteria: Ambry Variant Classification Scheme 2023. Collection method: clinical testing. Allele origin: germline.